The following is an entry in ClinVar:

NM_001042492.3(NF1):c.2205T>A (p.Tyr735Ter)

Gene: NF1 (neurofibromin 1; plus strand). Cytogenetic location: 17q11.2.
Variant type: single nucleotide variant.
Coding change: c.2205T>A on transcript NM_001042492.3 (MANE Select); coding-DNA position 2205, T replaced by A.
Protein change: p.Tyr735Ter; replaces tyrosine 735 with a stop codon.
Molecular consequence: nonsense.
Genome position (GRCh38, 1-based): chr17:31,226,638, T>A. VCF-style: chr17-31226638-T-A. GRCh37 (hg19) VCF-style: chr17-29553656-T-A.
Other names: c.2205T>A, p.Tyr735Ter (NM_000267.4); short protein forms Y735*.
Identifiers: ClinVar variation 1708134 (VCV001708134.1), dbSNP rs2508158200, ClinGen allele CA398982488.
Genomic context (GRCh38, chr17:31,226,638, plus strand): 5'-GGAAGCAGATATCCGGTGTGGGGTGGATGAAGTGTCAGTGCATAACCTCTTGCCCAACTA[T>A]AACACATTCATGGAGTTTGCCTCTGTCAGCAATATGATGTCAACAGGTAAATGTGAATAG-3'

ClinVar aggregate classification (germline): Pathogenic (1 of 4 stars; one submission).

Conditions:
Neurofibromatosis, type 1 (NF1). Also called: Peripheral type neurofibromatosis; VON RECKLINGHAUSEN DISEASE; NEUROFIBROMATOSIS, TYPE I, SOMATIC; Neurofibromatosis, type I. Identifiers: Orphanet 636, MedGen C0027831, MONDO:0018975, OMIM 162200. Disease mechanism: loss of function.

Submission:

Laboratory of Medical Genetics, National & Kapodistrian University of Athens
Classification: Pathogenic for Neurofibromatosis, type 1. Last evaluated: 2022-01-28. Review status: criteria provided, single submitter. Criteria: ACMG Guidelines, 2015. Collection method: clinical testing. Allele origin: germline. Affected: yes.
Comment: PVS1, PM2, PP3